The following is an entry in ClinVar:

ClinVar aggregate classification (germline): Uncertain significance. Review status: criteria provided, multiple submitters, no conflicts (2 of 4 stars). 2 submissions from 2 submitters: Uncertain significance (2). Last evaluated 2024-06-12.

Conditions:
ATM-related cancer predisposition. Also called: ATM-related cancer susceptibility. Identifiers: MedGen CN377759, MONDO:0700270.
Ataxia-telangiectasia syndrome (AT). Also called: Cerebello-oculocutaneous telangiectasia; Immunodeficiency with ataxia telangiectasia; ATAXIA-TELANGIECTASIA, COMPLEMENTATION GROUP A; ATAXIA-TELANGIECTASIA, FRESNO VARIANT; Ataxia-telangiectasia; Ataxia-telangiectasia, complementation group D. Identifiers: Orphanet 100, MedGen C0004135, MONDO:0008840, OMIM 208900.

Allele frequency attached by ClinVar (database versions not stated): gnomAD exomes 0.00001; ExAC 0.00001.
gnomAD v4.1: 7 of 1,613,392 alleles (0.00043%); highest among the groups gnomAD compares: South Asian, 0.0077%; no homozygotes.

Submissions (2):

Department of Pathology and Laboratory Medicine, Sinai Health System
Classification: Uncertain significance for ATM-related cancer predisposition. Last evaluated: 2024-06-12. Review status: criteria provided, single submitter. Criteria: ACMG Guidelines, 2015. Collection method: clinical testing. Allele origin: germline. Affected: no.

Labcorp Genetics (formerly Invitae), Labcorp
Classification: Uncertain significance for Ataxia-telangiectasia syndrome. Last evaluated: 2022-09-20. Review status: criteria provided, single submitter. Criteria: Invitae Variant Classification Sherloc (09022015). Collection method: clinical testing. Allele origin: germline.
Comment: This sequence change replaces isoleucine, which is neutral and non-polar, with methionine, which is neutral and non-polar, at codon 438 of the ATM protein (p.Ile438Met). This variant is present in population databases (rs770573462, gnomAD 0.006%). This variant has not been reported in the literature in individuals affected with ATM-related conditions. ClinVar contains an entry for this variant (Variation ID: 847882). Algorithms developed to predict the effect of missense changes on protein structure and function are either unavailable or do not agree on the potential impact of this missense change (SIFT: "Tolerated"; PolyPhen-2: "Possibly Damaging"; Align-GVGD: "Class C0"). In summary, the available evidence is currently insufficient to determine the role of this variant in disease. Therefore, it has been classified as a Variant of Uncertain Significance.

NM_000051.4(ATM):c.1314A>G (p.Ile438Met)

Gene: ATM (ATM serine/threonine kinase; plus strand). Cytogenetic location: 11q22.3.
Variant type: single nucleotide variant.
Coding change: c.1314A>G on transcript NM_000051.4 (MANE Select); coding-DNA position 1314, A replaced by G.
Protein change: p.Ile438Met; replaces isoleucine 438 with methionine.
Molecular consequence: missense variant.
Genome position (GRCh38, 1-based): chr11:108,250,779, A>G. VCF-style: chr11-108250779-A-G. GRCh37 (hg19) VCF-style: chr11-108121506-A-G.
Other names: c.1314A>G, p.Ile438Met (NM_001351834.2); short protein forms I438M.
Identifiers: ClinVar variation 847882 (VCV000847882.7), dbSNP rs770573462, ClinGen allele CA6264798.